The following is an entry in ClinVar:

ClinVar aggregate classification (germline): Uncertain significance (1 of 4 stars; one submission).

Conditions:
Autosomal dominant nocturnal frontal lobe epilepsy 5. Also called: Epilepsy, nocturnal frontal lobe, 5; CILIARY DYSKINESIA, PRIMARY, 28, WITHOUT SITUS INVERSUS; CILIARY DYSKINESIA, PRIMARY, 28, WITH SITUS INVERSUS; KCNT1-Related Epilepsy. Identifiers: Orphanet 98784, MedGen C3554306, MONDO:0014002, OMIM 615005.
Developmental and epileptic encephalopathy, 14 (DEE14). Also called: Early infantile epileptic encephalopathy 14. Identifiers: Orphanet 293181, MedGen C3554195, MONDO:0013989, OMIM 614959.

Submission:

Labcorp Genetics (formerly Invitae), Labcorp
Classification: Uncertain significance for Autosomal dominant nocturnal frontal lobe epilepsy 5; Developmental and epileptic encephalopathy, 14. Last evaluated: 2023-05-29. Review status: criteria provided, single submitter. Criteria: Invitae Variant Classification Sherloc (09022015). Collection method: clinical testing. Allele origin: germline.
Comment: In summary, the available evidence is currently insufficient to determine the role of this variant in disease. Therefore, it has been classified as a Variant of Uncertain Significance. Advanced modeling of protein sequence and biophysical properties (such as structural, functional, and spatial information, amino acid conservation, physicochemical variation, residue mobility, and thermodynamic stability) performed at Invitae indicates that this missense variant is not expected to disrupt KCNT1 protein function. This variant has not been reported in the literature in individuals affected with KCNT1-related conditions. This variant is not present in population databases (gnomAD no frequency). This sequence change replaces histidine, which is basic and polar, with glutamine, which is neutral and polar, at codon 1102 of the KCNT1 protein (p.His1102Gln).

NM_020822.3(KCNT1):c.3306C>A (p.His1102Gln)

Gene: KCNT1 (potassium sodium-activated channel subfamily T member 1; plus strand). Cytogenetic location: 9q34.3.
Variant type: single nucleotide variant.
Coding change: c.3306C>A on transcript NM_020822.3 (MANE Select); coding-DNA position 3306, C replaced by A.
Protein change: p.His1102Gln; replaces histidine 1102 with glutamine.
Molecular consequence: missense variant.
Genome position (GRCh38, 1-based): chr9:135,786,325, C>A. VCF-style: chr9-135786325-C-A. GRCh37 (hg19) VCF-style: chr9-138678171-C-A.
Other names: c.3171C>A, p.His1057Gln (NM_001272003.2); short protein forms H1102Q, H1057Q.
Identifiers: ClinVar variation 2937254 (VCV002937254.3), dbSNP rs2131582112, ClinGen allele CA375491693.